The following is an entry in ClinVar:

ClinVar aggregate classification (germline): Uncertain significance (1 of 4 stars; one submission).

Conditions:
Charcot-Marie-Tooth disease type 4. Also called: Charcot-Marie-Tooth disease, type IV; Charcot-Marie-Tooth, Type 4. Identifiers: Orphanet 64749, MedGen C4082197, MONDO:0018995.

Submission:

Labcorp Genetics (formerly Invitae), Labcorp
Classification: Uncertain significance for Charcot-Marie-Tooth disease type 4. Last evaluated: 2022-06-28. Review status: criteria provided, single submitter. Criteria: Invitae Variant Classification Sherloc (09022015). Collection method: clinical testing. Allele origin: germline.
Comment: This variant has not been reported in the literature in individuals affected with SBF2-related conditions. In summary, the available evidence is currently insufficient to determine the role of this variant in disease. Therefore, it has been classified as a Variant of Uncertain Significance. Algorithms developed to predict the effect of missense changes on protein structure and function (SIFT, PolyPhen-2, Align-GVGD) all suggest that this variant is likely to be tolerated. This variant is not present in population databases (gnomAD no frequency). This sequence change replaces phenylalanine, which is neutral and non-polar, with valine, which is neutral and non-polar, at codon 1039 of the SBF2 protein (p.Phe1039Val).

NM_030962.4(SBF2):c.3115T>G (p.Phe1039Val)

Genes: SBF2 (SET binding factor 2; minus strand), LOC101928008 (uncharacterized LOC101928008; plus strand). Cytogenetic location: 11p15.4.
Variant type: single nucleotide variant.
Coding change: c.3115T>G on transcript NM_030962.4 (MANE Select); coding-DNA position 3115, T replaced by G.
Protein change: p.Phe1039Val; replaces phenylalanine 1039 with valine.
Molecular consequence: missense variant.
Genome position (GRCh38, 1-based): chr11:9,842,766, A>C on the plus strand (T>G on the coding strand, the complement: SBF2 is on the minus strand). VCF-style: chr11-9842766-A-C. GRCh37 (hg19) VCF-style: chr11-9864313-A-C.
Other names: c.3115T>G, p.Phe1039Val (NM_001386339.1); c.2986T>G, p.Phe996Val (NM_001386342.1); short protein forms F1039V, F996V.
Identifiers: ClinVar variation 2000439 (VCV002000439.4), dbSNP rs2494762426, ClinGen allele CA379631185.